The following is an entry in ClinVar:

NM_005918.4(MDH2):c.733+3A>G

Gene: MDH2 (malate dehydrogenase 2; plus strand). Cytogenetic location: 7q11.23.
Variant type: single nucleotide variant.
Coding change: c.733+3A>G on transcript NM_005918.4 (MANE Select); 3 bases into the intron after coding-DNA position 733, A replaced by G.
Molecular consequence: intron variant.
Genome position (GRCh38, 1-based): chr7:76,064,441, A>G. VCF-style: chr7-76064441-A-G. GRCh37 (hg19) VCF-style: chr7-75693759-A-G.
Other names: c.607+3A>G (NM_001282403.2); c.412+3A>G (NM_001282404.2).
Identifiers: ClinVar variation 4761725 (VCV004761725.1).

ClinVar aggregate classification (germline): Uncertain significance (1 of 4 stars; one submission).

gnomAD v4.1: 11 of 1,610,774 alleles (0.00068%); highest among the groups gnomAD compares: African/African-American, 0.0067%; no homozygotes.

Submission:

Labcorp Genetics (formerly Invitae), Labcorp
Classification: Uncertain significance. Last evaluated: 2025-03-12. Review status: criteria provided, single submitter. Criteria: Invitae Variant Classification Sherloc (09022015). Collection method: clinical testing. Allele origin: germline.
Comment: This sequence change falls in intron 7 of the MDH2 gene. It does not directly change the encoded amino acid sequence of the MDH2 protein. It affects a nucleotide within the consensus splice site. This variant is present in population databases (no rsID available, gnomAD 0.01%). This variant has not been reported in the literature in individuals affected with MDH2-related conditions. Variants that disrupt the consensus splice site are a relatively common cause of aberrant splicing (PMID: 17576681, 9536098). Algorithms developed to predict the effect of sequence changes on RNA splicing suggest that this variant is not likely to affect RNA splicing. In summary, the available evidence is currently insufficient to determine the role of this variant in disease. Therefore, it has been classified as a Variant of Uncertain Significance.

Literature cited by the submitters: PubMed 17576681; PubMed 9536098.